The following is an entry in ClinVar:

NM_000883.4(IMPDH1):c.52G>T (p.Val18Phe)

Genes: IMPDH1 (inosine monophosphate dehydrogenase 1; minus strand), LOC129999258 (ATAC-STARR-seq lymphoblastoid silent region 18606; plus strand). Cytogenetic location: 7q32.1.
Variant type: single nucleotide variant.
Coding change: c.52G>T on transcript NM_000883.4 (MANE Select); coding-DNA position 52, G replaced by T.
Protein change: p.Val18Phe; replaces valine 18 with phenylalanine.
Molecular consequence: missense variant.
Genome position (GRCh38, 1-based): chr7:128,409,850, C>A on the plus strand (G>T on the coding strand, the complement: IMPDH1 is on the minus strand). VCF-style: chr7-128409850-C-A. GRCh37 (hg19) VCF-style: chr7-128049904-C-A.
Other names: c.52G>T, p.Val18Phe (NM_001102605.2, NM_001142576.2, NM_001304521.2 and 1 more transcripts); short protein forms V18F.
Identifiers: ClinVar variation 2966200 (VCV002966200.3), dbSNP rs1416538799, ClinGen allele CA369182313.

ClinVar aggregate classification (germline): Uncertain significance (1 of 4 stars; one submission).

Allele frequency attached by ClinVar (database versions not stated): TOPMed below 0.00001.

Submission:

Labcorp Genetics (formerly Invitae), Labcorp
Classification: Uncertain significance. Last evaluated: 2023-05-23. Review status: criteria provided, single submitter. Criteria: Invitae Variant Classification Sherloc (09022015). Collection method: clinical testing. Allele origin: germline.
Comment: In summary, the available evidence is currently insufficient to determine the role of this variant in disease. Therefore, it has been classified as a Variant of Uncertain Significance. Experimental studies and prediction algorithms are not available or were not evaluated, and the functional significance of this variant is currently unknown. This variant has not been reported in the literature in individuals affected with IMPDH1-related conditions. The frequency data for this variant in the population databases is considered unreliable, as metrics indicate poor data quality at this position in the gnomAD database. This sequence change replaces valine, which is neutral and non-polar, with phenylalanine, which is neutral and non-polar, at codon 18 of the IMPDH1 protein (p.Val18Phe).